The following is an entry in ClinVar:

NM_014233.4(UBTF):c.271G>C (p.Asp91His)

Genes: ATXN7L3-AS1 (ATXN7L3 antisense RNA 1; plus strand), UBTF (upstream binding transcription factor; minus strand). Cytogenetic location: 17q21.31.
Variant type: single nucleotide variant.
Coding change: c.271G>C on transcript NM_014233.4 (MANE Select); coding-DNA position 271, G replaced by C.
Protein change: p.Asp91His; replaces aspartic acid 91 with histidine.
Molecular consequence: missense variant. On other transcripts: non-coding transcript variant (1).
Genome position (GRCh38, 1-based): chr17:44,215,953, C>G on the plus strand (G>C on the coding strand, the complement: UBTF is on the minus strand). VCF-style: chr17-44215953-C-G. GRCh37 (hg19) VCF-style: chr17-42293321-C-G.
Other names: c.271G>C, p.Asp91His (NM_001076683.2, NM_001076684.3); short protein forms D91H.
Identifiers: ClinVar variation 2504358 (VCV002504358.1), dbSNP rs2509937333, ClinGen allele CA399768482.

ClinVar aggregate classification (germline): Uncertain significance (1 of 4 stars; one submission).

Submission:

GeneDx
Classification: Uncertain significance. Last evaluated: 2022-12-05. Review status: criteria provided, single submitter. Criteria: GeneDx Variant Classification Process June 2021. Collection method: clinical testing. Allele origin: germline. Affected: yes.
Comment: Not observed at significant frequency in large population cohorts (gnomAD); In silico analysis supports that this missense variant has a deleterious effect on protein structure/function; Has not been previously published as pathogenic or benign to our knowledge